The following is an entry in ClinVar:

NM_182760.4(SUMF1):c.346G>T (p.Ala116Ser)

Gene: SUMF1 (sulfatase modifying factor 1; minus strand). Cytogenetic location: 3p26.1.
Variant type: single nucleotide variant.
Coding change: c.346G>T on transcript NM_182760.4 (MANE Select); coding-DNA position 346, G replaced by T.
Protein change: p.Ala116Ser; replaces alanine 116 with serine.
Molecular consequence: missense variant.
Genome position (GRCh38, 1-based): chr3:4,452,974, C>A on the plus strand (G>T on the coding strand, the complement: SUMF1 is on the minus strand). VCF-style: chr3-4452974-C-A. GRCh37 (hg19) VCF-style: chr3-4494658-C-A.
Other names: c.346G>T, p.Ala116Ser (NM_001164674.2, NM_001164675.2); short protein forms A116S.
Identifiers: ClinVar variation 1984814 (VCV001984814.2), dbSNP rs1033881339, ClinGen allele CA351793287.

ClinVar aggregate classification (germline): Uncertain significance. Review status: criteria provided, multiple submitters, no conflicts (2 of 4 stars). 2 submissions from 2 submitters: Uncertain significance (2). Last evaluated 2022-07-27.

Conditions:
Inborn genetic diseases. Identifiers: MedGen C0950123, MeSH D030342.
Multiple sulfatase deficiency (MSD). Also called: Mucosulfatidosis; Multiple Sulfatase Deficiency Disease; Sulfatidosis, Juvenile, Austin Type. Identifiers: Orphanet 585, MedGen C0268263, MONDO:0010088, OMIM 272200.

gnomAD v4.1: 1 of 1,614,188 alleles (0.000062%); highest among the groups gnomAD compares: Non-Finnish European, 0.000085%; no homozygotes.

Submissions (2):

Labcorp Genetics (formerly Invitae), Labcorp
Classification: Uncertain significance for Multiple sulfatase deficiency. Last evaluated: 2022-07-27. Review status: criteria provided, single submitter. Criteria: Invitae Variant Classification Sherloc (09022015). Collection method: clinical testing. Allele origin: germline.
Comment: This sequence change replaces alanine, which is neutral and non-polar, with serine, which is neutral and polar, at codon 116 of the SUMF1 protein (p.Ala116Ser). This variant is not present in population databases (gnomAD no frequency). This variant has not been reported in the literature in individuals affected with SUMF1-related conditions. Algorithms developed to predict the effect of missense changes on protein structure and function (SIFT, PolyPhen-2, Align-GVGD) all suggest that this variant is likely to be tolerated. In summary, the available evidence is currently insufficient to determine the role of this variant in disease. Therefore, it has been classified as a Variant of Uncertain Significance.

Ambry Genetics
Classification: Uncertain significance for Inborn genetic diseases. Last evaluated: 2020-11-23. Review status: criteria provided, single submitter. Criteria: Ambry Variant Classification Scheme 2023. Collection method: clinical testing. Allele origin: germline.